The following is an entry in ClinVar:

ClinVar aggregate classification (germline): Likely benign. Review status: criteria provided, multiple submitters, no conflicts (2 of 4 stars). 2 submissions from 2 submitters: Likely benign (2). Last evaluated 2016-08-10.

Submissions (2):

GeneDx
Classification: Likely benign. Last evaluated: 2016-08-10. Review status: criteria provided, single submitter. Criteria: GeneDx Variant Classification (06012015). Collection method: clinical testing. Allele origin: germline. Affected: yes.
Comment: This variant is considered likely benign or benign based on one or more of the following criteria: it is a conservative change, it occurs at a poorly conserved position in the protein, it is predicted to be benign by multiple in silico algorithms, and/or has population frequency not consistent with disease.

Laboratory for Molecular Medicine, Mass General Brigham Personalized Medicine
Classification: Likely benign. Last evaluated: 2012-04-04. Review status: criteria provided, single submitter. Criteria: LMM Criteria. Collection method: clinical testing. Allele origin: germline. Observed: 1 variant allele.
Comment: 630+8_630+10delinsTT in intron 5 of DSC2: This variant is not expected to have c linical significance because it is not located within the splice consensus seque nce. 630+8_630+10delinsTT in intron 5 of DSC2 (allele frequency = n/a)

NM_004949.5(DSC2):c.630+8_630+10delinsTT

Gene: DSC2 (desmocollin 2; minus strand). Cytogenetic location: 18q12.1.
Variant type: Indel.
Coding change: c.630+8_630+10delinsTT on transcript NM_004949.5; bases 8 to 10 of the intron after coding-DNA position 630, CTA replaced by TT.
Genome position (GRCh38, 1-based): chr18:31,089,429-31,089,431, TAG replaced by AA on the plus strand (CTA replaced by TT on the coding strand, the reverse complement: DSC2 is on the minus strand). VCF-style: chr18-31089429-TAG-AA. GRCh37 (hg19) VCF-style: chr18-28669392-TAG-AA.
Other names: c.630+8_630+10delinsTT (NM_024422.6).
Identifiers: ClinVar variation 46193 (VCV000046193.4), dbSNP rs397517401, ClinGen allele CA022874.